The following is an entry in ClinVar:

ClinVar aggregate classification (germline): Uncertain significance (1 of 4 stars; one submission).

Submission:

GeneDx
Classification: Uncertain significance. Last evaluated: 2023-11-07. Review status: criteria provided, single submitter. Criteria: GeneDx Variant Classification Process June 2021. Collection method: clinical testing. Allele origin: germline. Affected: yes.
Comment: Not observed at significant frequency in large population cohorts (gnomAD); In silico analysis supports that this missense variant has a deleterious effect on protein structure/function; Has not been previously published as pathogenic or benign to our knowledge

NM_001129.5(AEBP1):c.1855C>T (p.Arg619Cys)

Gene: AEBP1 (AE binding protein 1; plus strand). Cytogenetic location: 7p13.
Variant type: single nucleotide variant.
Coding change: c.1855C>T on transcript NM_001129.5 (MANE Select); coding-DNA position 1855, C replaced by T.
Protein change: p.Arg619Cys; replaces arginine 619 with cysteine.
Molecular consequence: missense variant.
Genome position (GRCh38, 1-based): chr7:44,111,868, C>T. VCF-style: chr7-44111868-C-T. GRCh37 (hg19) VCF-style: chr7-44151467-C-T.
Other names: short protein forms R619C.
Identifiers: ClinVar variation 3363800 (VCV003363800.1).
Genomic context (GRCh38, chr7:44,111,868, plus strand): 5'-TGGGCCTCGGGAGACTGAGTGCTCACTGAGGCTCCCGCCCTTGCAGGGGAGCCCGAGTTC[C>T]GCTACACTGCTGGGATCCATGGCAACGAGGTGCTGGGCCGAGAGCTGTTGCTGCTGCTCA-3'
Protein context (NP_001120.3, residues 609-629): GEHELGEPEF[Arg619Cys]YTAGIHGNEV